The following is an entry in ClinVar:

ClinVar aggregate classification (germline): Uncertain significance. Review status: criteria provided, multiple submitters, no conflicts (2 of 4 stars). 2 submissions from 2 submitters: Uncertain significance (2). Last evaluated 2022-11-15.

Conditions:
Inborn genetic diseases. Identifiers: MedGen C0950123, MeSH D030342.
Spinocerebellar ataxia 43 (SCA43). Identifiers: Orphanet 497764, MedGen C4310763, MONDO:0014867, OMIM 617018.
Charcot-Marie-Tooth disease axonal type 2T. Identifiers: Orphanet 443950, MedGen C4015635, OMIM 617017, MONDO:0014866.

Allele frequency attached by ClinVar (database versions not stated): gnomAD exomes 0.00004 and 0.00002; gnomAD 0.00001; ExAC 0.00002.
gnomAD v4.1: 59 of 1,604,076 alleles (0.0037%); highest among the groups gnomAD compares: Non-Finnish European, 0.0049%; no homozygotes.

Submissions (2):

Ambry Genetics
Classification: Uncertain significance for Inborn genetic diseases. Last evaluated: 2022-11-15. Review status: criteria provided, single submitter. Criteria: Ambry Variant Classification Scheme 2023. Collection method: clinical testing. Allele origin: germline.
Comment: The c.1511A>T (p.E504V) alteration is located in exon 16 (coding exon 15) of the MME gene. This alteration results from an A to T substitution at nucleotide position 1511, causing the glutamic acid (E) at amino acid position 504 to be replaced by a valine (V). Based on data from gnomAD, the T allele has an overall frequency of 0.002% (4/250594) total alleles studied. This amino acid position is well conserved in available vertebrate species. The in silico prediction for this alteration is inconclusive. Based on insufficient or conflicting evidence, the clinical significance of this alteration remains unclear.

Labcorp Genetics (formerly Invitae), Labcorp
Classification: Uncertain significance. Last evaluated: 2021-12-03. Review status: criteria provided, single submitter. Criteria: Invitae Variant Classification Sherloc (09022015). Collection method: clinical testing. Allele origin: germline.
Comment: This sequence change replaces glutamic acid, which is acidic and polar, with valine, which is neutral and non-polar, at codon 504 of the MME protein (p.Glu504Val). This variant is present in population databases (rs201239248, gnomAD 0.003%). This missense change has been observed in individual(s) with MME-related conditions (PMID: 33144514). Algorithms developed to predict the effect of missense changes on protein structure and function (SIFT, PolyPhen-2, Align-GVGD) all suggest that this variant is likely to be tolerated. Algorithms developed to predict the effect of sequence changes on RNA splicing suggest that this variant may create or strengthen a splice site. In summary, the available evidence is currently insufficient to determine the role of this variant in disease. Therefore, it has been classified as a Variant of Uncertain Significance.

Literature cited by the submitters: PubMed 33144514 (cited by Labcorp Genetics (formerly Invitae), Labcorp).

NM_007289.4(MME):c.1511A>T (p.Glu504Val)

Gene: MME (membrane metalloendopeptidase; plus strand). Cytogenetic location: 3q25.2.
Variant type: single nucleotide variant.
Coding change: c.1511A>T on transcript NM_007289.4 (MANE Select); coding-DNA position 1511, A replaced by T.
Protein change: p.Glu504Val; replaces glutamic acid 504 with valine.
Molecular consequence: missense variant.
Genome position (GRCh38, 1-based): chr3:155,148,563, A>T. VCF-style: chr3-155148563-A-T. GRCh37 (hg19) VCF-style: chr3-154866352-A-T.
Other names: c.1511A>T, p.Glu504Val (NM_000902.5, NM_001354642.2, NM_001354643.1 and 2 more transcripts); c.1511A>T (NM_007289.2); short protein forms E504V.
Identifiers: ClinVar variation 1424657 (VCV001424657.6), dbSNP rs201239248, ClinGen allele CA2675548.